The following is an entry in ClinVar:

NM_201525.4(ADGRG1):c.1978C>T (p.Arg660Trp)

Gene: ADGRG1 (adhesion G protein-coupled receptor G1; plus strand). Cytogenetic location: 16q21.
Variant type: single nucleotide variant.
Coding change: c.1978C>T on transcript NM_201525.4 (MANE Select); coding-DNA position 1978, C replaced by T.
Protein change: p.Arg660Trp; replaces arginine 660 with tryptophan.
Molecular consequence: missense variant.
Genome position (GRCh38, 1-based): chr16:57,663,496, C>T. VCF-style: chr16-57663496-C-T. GRCh37 (hg19) VCF-style: chr16-57697408-C-T.
Other names: c.1978C>T, p.Arg660Trp (NM_001145770.3, NM_001145772.3, NM_001145774.3 and 7 more transcripts); c.1996C>T, p.Arg666Trp (NM_001145771.3, NM_001370428.1, NM_001370429.1 and 4 more transcripts); c.1993C>T, p.Arg665Trp (NM_001145773.3, NM_001370433.1, NM_001370434.1); c.1486C>T, p.Arg496Trp (NM_001290142.2); c.1471C>T, p.Arg491Trp (NM_001290143.2); c.1453C>T, p.Arg485Trp (NM_001290144.2, NM_001370451.1, NM_001370453.1 and 1 more transcripts); c.1975C>T, p.Arg659Trp (NM_001370441.1); c.1822C>T, p.Arg608Trp (NM_001370442.1); short protein forms R666W, R608W, R485W, R496W, R659W, R665W, R491W, R660W.
Identifiers: ClinVar variation 2201963 (VCV002201963.1), dbSNP rs777803292, ClinGen allele CA8078919.
Genomic context (GRCh38, chr16:57,663,496, plus strand): 5'-CCCTCACTGCCCGCAGGCTTCCTCATCTTCATCTGGTACTGGTCCATGCGGCTGCAGGCC[C>T]GGGGTGGCCCCTCCCCTCTGAAGAGCAACTCAGACAGCGCCAGGCTCCCCATCAGCTCGG-3'
Protein context (NP_958933.1, residues 650-670): IWYWSMRLQA[Arg660Trp]GGPSPLKSNS

ClinVar aggregate classification (germline): Uncertain significance (1 of 4 stars; one submission).

Allele frequency attached by ClinVar (database versions not stated): ExAC 0.00001.
gnomAD v4.1: 7 of 1,613,830 alleles (0.00043%); highest among the groups gnomAD compares: African/African-American, 0.0053%; no homozygotes.

Submission:

Labcorp Genetics (formerly Invitae), Labcorp
Classification: Uncertain significance. Last evaluated: 2022-07-23. Review status: criteria provided, single submitter. Criteria: Invitae Variant Classification Sherloc (09022015). Collection method: clinical testing. Allele origin: germline.
Comment: This sequence change replaces arginine, which is basic and polar, with tryptophan, which is neutral and slightly polar, at codon 666 of the ADGRG1 protein (p.Arg666Trp). This variant is present in population databases (rs777803292, gnomAD 0.01%). This variant has not been reported in the literature in individuals affected with ADGRG1-related conditions. Advanced modeling of protein sequence and biophysical properties (such as structural, functional, and spatial information, amino acid conservation, physicochemical variation, residue mobility, and thermodynamic stability) performed at Invitae indicates that this missense variant is not expected to disrupt ADGRG1 protein function. In summary, the available evidence is currently insufficient to determine the role of this variant in disease. Therefore, it has been classified as a Variant of Uncertain Significance.